The following is an entry in ClinVar:

NM_000455.5(STK11):c.597G>T (p.Glu199Asp)

Gene: STK11 (serine/threonine kinase 11; plus strand). Cytogenetic location: 19p13.3.
Variant type: single nucleotide variant.
Coding change: c.597G>T on transcript NM_000455.5 (MANE Select); coding-DNA position 597, G replaced by T.
Protein change: p.Glu199Asp; replaces glutamic acid 199 with aspartic acid.
Molecular consequence: missense variant. On other transcripts: non-coding transcript variant (1).
Genome position (GRCh38, 1-based): chr19:1,220,505, G>T. VCF-style: chr19-1220505-G-T. GRCh37 (hg19) VCF-style: chr19-1220504-G-T.
Other names: c.597G>T, p.Glu199Asp (NM_001407255.1); short protein forms E199D.
Identifiers: ClinVar variation 3896162 (VCV003896162.2).

ClinVar aggregate classification (germline): Uncertain significance (1 of 4 stars; one submission).

Submission:

Women's Health and Genetics/Laboratory Corporation of America, LabCorp
Classification: Uncertain significance. Last evaluated: 2025-04-21. Review status: criteria provided, single submitter. Criteria: LabCorp Variant Classification Summary - May 2015. Collection method: clinical testing. Allele origin: germline.
Comment: Variant summary: STK11 c.597G>T (p.Glu199Asp) results in a conservative amino acid change in the encoded protein sequence. Three of five in-silico tools predict a damaging effect of the variant on protein function. Several computational tools predict a significant impact on normal splicing: Three predict the variant abolishes a 5' splicing donor site. One predicts the variant weakens a 5' donor site. However, these predictions have yet to be confirmed by functional studies. The variant was absent in 227608 control chromosomes. The available data on variant occurrences in the general population are insufficient to allow any conclusion about variant significance. To our knowledge, no occurrence of c.597G>T in individuals affected with Peutz-Jeghers Syndrome and no experimental evidence demonstrating its impact on protein function have been reported. No submitters have cited clinical-significance assessments for this variant to ClinVar. Based on the evidence outlined above, the variant was classified as uncertain significance.